The following is an entry in ClinVar:

ClinVar aggregate classification (germline): Uncertain significance (1 of 4 stars; one submission).

Conditions:
Sterile multifocal osteomyelitis with periostitis and pustulosis. Also called: CHRONIC RECURRENT MULTIFOCAL OSTEOMYELITIS 2, WITH PERIOSTITIS AND PUSTULOSIS. Identifiers: Orphanet 210115, MedGen C2748507, MONDO:0013021, OMIM 612852.

Allele frequency attached by ClinVar (database versions not stated): TOPMed below 0.00001.

Submission:

Labcorp Genetics (formerly Invitae), Labcorp
Classification: Uncertain significance for Sterile multifocal osteomyelitis with periostitis and pustulosis. Last evaluated: 2022-03-12. Review status: criteria provided, single submitter. Criteria: Invitae Variant Classification Sherloc (09022015). Collection method: clinical testing. Allele origin: germline.
Comment: In summary, the available evidence is currently insufficient to determine the role of this variant in disease. Therefore, it has been classified as a Variant of Uncertain Significance. Algorithms developed to predict the effect of missense changes on protein structure and function (SIFT, PolyPhen-2, Align-GVGD) all suggest that this variant is likely to be tolerated. This variant has not been reported in the literature in individuals affected with IL1RN-related conditions. This variant is not present in population databases (gnomAD no frequency). This sequence change replaces serine, which is neutral and polar, with glycine, which is neutral and non-polar, at codon 36 of the IL1RN protein (p.Ser36Gly).

NM_173842.3(IL1RN):c.97A>G (p.Ser33Gly)

Gene: IL1RN (interleukin 1 receptor antagonist; plus strand). Cytogenetic location: 2q14.1.
Variant type: single nucleotide variant.
Coding change: c.97A>G on transcript NM_173842.3 (MANE Select); coding-DNA position 97, A replaced by G.
Protein change: p.Ser33Gly; replaces serine 33 with glycine.
Molecular consequence: missense variant. On other transcripts: 5 prime UTR variant (3).
Genome position (GRCh38, 1-based): chr2:113,127,721, A>G. VCF-style: chr2-113127721-A-G. GRCh37 (hg19) VCF-style: chr2-113885298-A-G.
Other names: c.43A>G, p.Ser15Gly (NM_000577.5); c.-6A>G (NM_001318914.2, NM_001379360.1, NM_173843.3); c.106A>G, p.Ser36Gly (NM_173841.3); short protein forms S33G, S15G, S36G.
Identifiers: ClinVar variation 1908710 (VCV001908710.5), dbSNP rs1687013175, ClinGen allele CA348293724.